The following is an entry in ClinVar:

NM_001256012.3(MYH10):c.5448T>A (p.Asn1816Lys)

Gene: MYH10 (myosin heavy chain 10; minus strand). Cytogenetic location: 17p13.1.
Variant type: single nucleotide variant.
Coding change: c.5448T>A on transcript NM_001256012.3 (MANE Select); coding-DNA position 5448, T replaced by A.
Protein change: p.Asn1816Lys; replaces asparagine 1816 with lysine.
Molecular consequence: missense variant.
Genome position (GRCh38, 1-based): chr17:8,480,259, A>T on the plus strand (T>A on the coding strand, the complement: MYH10 is on the minus strand). VCF-style: chr17-8480259-A-T. GRCh37 (hg19) VCF-style: chr17-8383577-A-T.
Other names: c.5382T>A, p.Asn1794Lys (NM_001256095.2); c.5385T>A, p.Asn1795Lys (NM_001375266.1); c.5355T>A, p.Asn1785Lys (NM_005964.5); short protein forms N1785K, N1794K, N1795K, N1816K.
Identifiers: ClinVar variation 1710856 (VCV001710856.2), dbSNP rs1913471500, ClinGen allele CA398041893.
Genomic context (GRCh38, chr17:8,480,259, plus strand): 5'-CTCGAGTTCCTGCAGCTTGGCCTTCAGCTCCTTGTTCTGCCGCTCCAGTTGCTGGCGTGC[A>T]TTGTCACTCTTCTGGGCGGCGCTGCGCTCGGCTGCTAGCTCGGCGTTCAGTGTGTCCACC-3'
Protein context (NP_001242941.1, residues 1806-1826): AERSAAQKSD[Asn1816Lys]ARQQLERQNK

ClinVar aggregate classification (germline): Uncertain significance (1 of 4 stars; one submission).

Submission:

GeneDx
Classification: Uncertain significance. Last evaluated: 2022-04-13. Review status: criteria provided, single submitter. Criteria: GeneDx Variant Classification Process June 2021. Collection method: clinical testing. Allele origin: germline. Affected: yes.
Comment: Not observed at significant frequency in large population cohorts (gnomAD); In silico analysis supports that this missense variant has a deleterious effect on protein structure/function; Has not been previously published as pathogenic or benign to our knowledge; Variants in candidate genes are classified as variants of uncertain significance in accordance with ACMG guidelines (Richards et al., 2015)